The following is an entry in ClinVar:

ClinVar aggregate classification (germline): Likely pathogenic (0 of 4 stars; one submission).

Conditions:
Salla disease (SD). Also called: Less Severe FSASD (Salla Disease); Sialuria, Finnish type; N-acetylneuraminic acid (NANA) storage disease (NSD); Infantile sialic acid storage disorder (ISSD). Identifiers: Orphanet 309334, Orphanet 834, MedGen C1096903, MONDO:0011449, OMIM 604369.

Submission:

Juha Muilu Group; Institute for Molecular Medicine Finland (FIMM)
Classification: Likely pathogenic for Salla disease. Review status: no assertion criteria provided. Collection method: not provided. Allele origin: unknown.
Comment: FinDis database variant: This variant was not found or characterized by our laboratory, data were collected from public sources: see reference
ClinVar note: Converted during submission from probable-pathogenic to Likely pathogenic.

NM_012434.5(SLC17A5):c.309G>A (p.Trp103Ter)

Genes: SLC17A5 (solute carrier family 17 member 5; minus strand), LOC132089454 (Neanderthal introgressed variant-containing enhancer experimental_94412; plus strand). Cytogenetic location: 6q13.
Variant type: single nucleotide variant.
Coding change: c.309G>A on transcript NM_012434.5 (MANE Select); coding-DNA position 309, G replaced by A.
Protein change: p.Trp103Ter; replaces tryptophan 103 with a stop codon.
Molecular consequence: nonsense.
Genome position (GRCh38, 1-based): chr6:73,641,907, C>T on the plus strand (G>A on the coding strand, the complement: SLC17A5 is on the minus strand). VCF-style: chr6-73641907-C-T. GRCh37 (hg19) VCF-style: chr6-74351630-C-T.
Other names: short protein forms W103*.
Identifiers: ClinVar variation 56555 (VCV000056555.2), dbSNP rs386833991, ClinGen allele CA263925.